The following is an entry in ClinVar:

ClinVar aggregate classification (germline): Uncertain significance (1 of 4 stars; one submission).

Conditions:
Autosomal dominant limb-girdle muscular dystrophy type 1F (LGMDD2). Also called: Limb-girdle muscular dystrophy, type 1F; MUSCULAR DYSTROPHY, LIMB-GIRDLE, AUTOSOMAL DOMINANT 2. Identifiers: Orphanet 55595, MedGen C1842062, MONDO:0012034, OMIM 608423.

Submission:

Labcorp Genetics (formerly Invitae), Labcorp
Classification: Uncertain significance for Autosomal dominant limb-girdle muscular dystrophy type 1F. Last evaluated: 2022-10-28. Review status: criteria provided, single submitter. Criteria: Invitae Variant Classification Sherloc (09022015). Collection method: clinical testing. Allele origin: germline.
Comment: Advanced modeling of protein sequence and biophysical properties (such as structural, functional, and spatial information, amino acid conservation, physicochemical variation, residue mobility, and thermodynamic stability) performed at Invitae indicates that this missense variant is not expected to disrupt TNPO3 protein function. In summary, the available evidence is currently insufficient to determine the role of this variant in disease. Therefore, it has been classified as a Variant of Uncertain Significance. This variant has not been reported in the literature in individuals affected with TNPO3-related conditions. This variant is not present in population databases (gnomAD no frequency). This sequence change replaces proline, which is neutral and non-polar, with arginine, which is basic and polar, at codon 501 of the TNPO3 protein (p.Pro501Arg).

NM_012470.4(TNPO3):c.1502C>G (p.Pro501Arg)

Gene: TNPO3 (transportin 3; minus strand). Cytogenetic location: 7q32.1.
Variant type: single nucleotide variant.
Coding change: c.1502C>G on transcript NM_012470.4 (MANE Select); coding-DNA position 1502, C replaced by G.
Protein change: p.Pro501Arg; replaces proline 501 with arginine.
Molecular consequence: missense variant. On other transcripts: non-coding transcript variant (18), intron variant (2).
Genome position (GRCh38, 1-based): chr7:128,986,917, G>C on the plus strand (C>G on the coding strand, the complement: TNPO3 is on the minus strand). VCF-style: chr7-128986917-G-C. GRCh37 (hg19) VCF-style: chr7-128626971-G-C.
Other names: c.1604C>G, p.Pro535Arg (NM_001382216.1); c.1583C>G, p.Pro528Arg (NM_001382217.1); c.1502C>G, p.Pro501Arg (NM_001382218.1, NM_001382220.1); c.1394C>G, p.Pro465Arg (NM_001382219.1); c.1358C>G, p.Pro453Arg (NM_001382221.1); c.1355C>G, p.Pro452Arg (NM_001382222.1); c.1499-2658C>G (NM_001382223.1, NM_001191028.3); short protein forms P452R, P453R, P501R, P465R, P528R, P535R.
Identifiers: ClinVar variation 1907610 (VCV001907610.5), dbSNP rs1305150905, ClinGen allele CA369226742.
Genomic context (GRCh38, chr7:128,986,917, plus strand): 5'-TTGGCTGCAGCAGAAGCCAGGGGCTTTTCACACAGGCCTTTCATCAAATAGCCCAACACA[G>C]GGTCTAAGAAGAAAAGCCAAGCAGAGATTACATATCTGAAACTAAAGGAAAACTTCTAGT-3'
Protein context (NP_036602.1, residues 491-511): VVDRNPQFLD[Pro501Arg]VLGYLMKGLC